The following is an entry in ClinVar:

ClinVar aggregate classification (germline): Uncertain significance. Review status: criteria provided, multiple submitters, no conflicts (2 of 4 stars). 2 submissions from 2 submitters: Uncertain significance (2). Last evaluated 2024-11-27.

gnomAD v4.1: 4 of 1,564,658 alleles (0.00026%); highest among the groups gnomAD compares: African/African-American, 0.0056%; no homozygotes.

Submissions (2):

Ambry Genetics
Classification: Uncertain significance. Last evaluated: 2024-11-27. Review status: criteria provided, single submitter. Criteria: Ambry Variant Classification Scheme 2023. Collection method: clinical testing. Allele origin: germline.
Comment: The p.P12A variant (also known as c.34C>G), located in coding exon 1 of the SRP72 gene, results from a C to G substitution at nucleotide position 34. The proline at codon 12 is replaced by alanine, an amino acid with highly similar properties. This amino acid position is conserved. In addition, this alteration is predicted to be tolerated by in silico analysis. Based on the available evidence, the clinical significance of this variant remains unclear.

GeneDx
Classification: Uncertain significance. Last evaluated: 2024-04-11. Review status: criteria provided, single submitter. Criteria: GeneDx Variant Classification Process June 2021. Collection method: clinical testing. Allele origin: germline. Affected: yes.
Comment: Not observed at significant frequency in large population cohorts (gnomAD); In silico analysis indicates that this missense variant does not alter protein structure/function; Has not been previously published as pathogenic or benign to our knowledge; This variant is associated with the following publications: (PMID: 28369529, 27899666)

NM_006947.4(SRP72):c.34C>G (p.Pro12Ala)

Genes: SRP72 (signal recognition particle 72; plus strand), LOC129992625 (ATAC-STARR-seq lymphoblastoid active region 21580; plus strand). Cytogenetic location: 4q12.
Variant type: single nucleotide variant.
Coding change: c.34C>G on transcript NM_006947.4 (MANE Select); coding-DNA position 34, C replaced by G.
Protein change: p.Pro12Ala; replaces proline 12 with alanine.
Molecular consequence: missense variant. On other transcripts: non-coding transcript variant (1).
Genome position (GRCh38, 1-based): chr4:56,467,669, C>G. VCF-style: chr4-56467669-C-G. GRCh37 (hg19) VCF-style: chr4-57333835-C-G.
Other names: c.34C>G, p.Pro12Ala (NM_001267722.2); short protein forms P12A.
Identifiers: ClinVar variation 3372208 (VCV003372208.2).
Genomic context (GRCh38, chr4:56,467,669, plus strand): 5'-CCCGCCCCGCCCCTCGTCTCCTCCAAGATGGCGAGCGGCGGCAGCGGGGGGGTGTCAGTA[C>G]CTGCGCTGTGGAGTGAAGTGAACCGGTATGGCCAGAACGGCGACTTCACGCGCGCTCTCA-3'
Protein context (NP_008878.3, residues 2-22): ASGGSGGVSV[Pro12Ala]ALWSEVNRYG